The following is an entry in ClinVar:

NM_000136.3(FANCC):c.562G>A (p.Val188Ile)

Genes: AOPEP (aminopeptidase O (putative); plus strand), FANCC (FA complementation group C; minus strand). Cytogenetic location: 9q22.32.
Variant type: single nucleotide variant.
Coding change: c.562G>A on transcript NM_000136.3 (MANE Select); coding-DNA position 562, G replaced by A.
Protein change: p.Val188Ile; replaces valine 188 with isoleucine.
Molecular consequence: missense variant.
Genome position (GRCh38, 1-based): chr9:95,150,047, C>T on the plus strand (G>A on the coding strand, the complement: FANCC is on the minus strand). VCF-style: chr9-95150047-C-T. GRCh37 (hg19) VCF-style: chr9-97912329-C-T.
Other names: c.562G>A, p.Val188Ile (NM_001243743.2, NM_001243744.2); short protein forms V188I.
Identifiers: ClinVar variation 2450919 (VCV002450919.3), dbSNP rs2135428273, ClinGen allele CA374109779.

ClinVar aggregate classification (germline): Conflicting classifications of pathogenicity. Review status: criteria provided, conflicting classifications (1 of 4 stars). 2 submissions from 2 submitters: Uncertain significance (1); Likely benign (1). Last evaluated 2022-12-13.

Conditions:
Hereditary cancer-predisposing syndrome. Also called: Neoplastic Syndromes, Hereditary; Tumor predisposition; Hereditary neoplastic syndrome; Hereditary Cancer Syndrome. Identifiers: Orphanet 140162, MedGen C0027672, MeSH D009386, MONDO:0015356.

Submissions (2):

Ambry Genetics
Classification: Likely benign for Hereditary cancer-predisposing syndrome. Last evaluated: 2022-12-13. Review status: criteria provided, single submitter. Criteria: Ambry Variant Classification Scheme 2023. Collection method: clinical testing. Allele origin: germline.

Quest Diagnostics Nichols Institute San Juan Capistrano
Classification: Uncertain significance. Last evaluated: 2022-10-24. Review status: criteria provided, single submitter. Criteria: Quest Diagnostics criteria. Collection method: clinical testing. Allele origin: unknown.
Comment: This variant has not been reported in the published literature. It also has not been reported in large, multi-ethnic general populations. Analysis of this variant using bioinformatics tools for the prediction of the effect of amino acid changes on protein structure and function yielded predictions that this variant is benign. Based on the available information, we are unable to determine the clinical significance of this variant.